The following is an entry in ClinVar:

ClinVar aggregate classification (germline): Conflicting classifications of pathogenicity. Review status: criteria provided, conflicting classifications (1 of 4 stars). 3 submissions from 3 submitters: Likely pathogenic (1); Uncertain significance (2). Last evaluated 2022-10-20.

Conditions:
ADGRV1-related disorder. Also called: ADGRV1-related disorders; ADGRV1-related condition.

Allele frequency attached by ClinVar (database versions not stated): TOPMed 0.00002; gnomAD 0.00003.
gnomAD v4.1: 44 of 1,610,404 alleles (0.0027%); highest among the groups gnomAD compares: South Asian, 0.0077%; no homozygotes.

Submissions (3):

Women's Health and Genetics/Laboratory Corporation of America, LabCorp
Classification: Uncertain significance. Last evaluated: 2022-10-20. Review status: criteria provided, single submitter. Criteria: LabCorp Variant Classification Summary - May 2015. Collection method: clinical testing. Allele origin: germline.
Comment: Variant summary: ADGRV1 (GPR98) c.2399G>A (p.Arg800Gln) results in a conservative amino acid change located in the Na-Ca exchanger/integrin-beta4 domain (IPR003644) of the encoded protein sequence. Three of five in-silico tools predict a damaging effect of the variant on protein function. The variant allele was found at a frequency of 2e-05 in 246194 control chromosomes (gnomAD). The available data on variant occurrences in the general population are insufficient to allow any conclusion about variant significance. c.2399G>A has been reported in the literature in one compound heterozygous individual affected with non-syndromic hearing loss (e.g. Yang_2013). These data do not allow any conclusion about variant significance. To our knowledge, no experimental evidence demonstrating an impact on protein function has been reported. One clinical diagnostic laboratory has submitted a clinical-significance assessment for this variant to ClinVar after 2014 and classified the variant as uncertain significance. Based on the evidence outlined above, the variant was classified as uncertain significance.

Blueprint Genetics
Classification: Likely pathogenic for ADGRV1-related disorders. Last evaluated: 2022-06-22. Review status: criteria provided, single submitter. Criteria: ACMG Guidelines, 2015. Collection method: clinical testing. Allele origin: germline. Affected: yes. Observed: 4 variant alleles.

GeneDx
Classification: Uncertain significance. Last evaluated: 2022-03-21. Review status: criteria provided, single submitter. Criteria: GeneDx Variant Classification Process June 2021. Collection method: clinical testing. Allele origin: germline. Affected: yes.
Comment: Identified with a second variant in an unknown phase in a patient with nonsyndromic sensorineural hearing loss in published literature (Yang et al., 2013); In silico analysis supports that this missense variant has a deleterious effect on protein structure/function; This variant is associated with the following publications: (PMID: 23767834)

Literature cited by the submitters: PubMed 23767834 (cited by Women's Health and Genetics/Laboratory Corporation of America, LabCorp).

NM_032119.4(ADGRV1):c.2399G>A (p.Arg800Gln)

Gene: ADGRV1 (adhesion G protein-coupled receptor V1; plus strand). Cytogenetic location: 5q14.3.
Variant type: single nucleotide variant.
Coding change: c.2399G>A on transcript NM_032119.4 (MANE Select); coding-DNA position 2399, G replaced by A.
Protein change: p.Arg800Gln; replaces arginine 800 with glutamine.
Molecular consequence: missense variant. On other transcripts: non-coding transcript variant (1).
Genome position (GRCh38, 1-based): chr5:90,642,887, G>A. VCF-style: chr5-90642887-G-A. GRCh37 (hg19) VCF-style: chr5-89938704-G-A.
Other names: short protein forms R800Q.
Identifiers: ClinVar variation 1707264 (VCV001707264.4), dbSNP rs771784301, ClinGen allele CA3338924.